The following is an entry in ClinVar:

NM_005045.4(RELN):c.8632_8642del (p.Ser2878fs)

Genes: SLC26A5-AS1 (SLC26A5 antisense RNA 1; plus strand), RELN (reelin; minus strand). Cytogenetic location: 7q22.1.
Variant type: Deletion.
Coding change: c.8632_8642del on transcript NM_005045.4 (MANE Select); coding-DNA positions 8632 to 8642, 11 bases deleted (TCAGGGCCAAA).
Protein change: p.Ser2878fs; shifts the reading frame from serine 2878.
Molecular consequence: frameshift variant.
Genome position (GRCh38, 1-based): chr7:103,500,770-103,500,780, TTTGGCCCTGA deleted on the plus strand (TCAGGGCCAAA on the coding strand, the reverse complement: RELN is on the minus strand). VCF-style (leftmost placement, unchanged base first): chr7-103500769-GTTTGGCCCTGA-G. GRCh37 (hg19) VCF-style: chr7-103141216-GTTTGGCCCTGA-G.
Other names: c.8632_8642del, p.Ser2878fs (NM_173054.3); short protein forms S2878fs.
Identifiers: ClinVar variation 3759504 (VCV003759504.2).

ClinVar aggregate classification (germline): Pathogenic (1 of 4 stars; one submission).

Conditions:
Norman-Roberts syndrome (LIS2). Also called: Lissencephaly 2 (Norman-Roberts type). Identifiers: Orphanet 89844, MedGen C0796089, MONDO:0009760, OMIM 257320.
Familial temporal lobe epilepsy 7. Identifiers: Orphanet 101046, MedGen C4225327, MONDO:0014639, OMIM 616436.

Submission:

Labcorp Genetics (formerly Invitae), Labcorp
Classification: Pathogenic for Familial temporal lobe epilepsy 7; Norman-Roberts syndrome. Last evaluated: 2024-12-16. Review status: criteria provided, single submitter. Criteria: Invitae Variant Classification Sherloc (09022015). Collection method: clinical testing. Allele origin: germline.
Comment: This sequence change creates a premature translational stop signal (p.Ser2878Leufs*16) in the RELN gene. It is expected to result in an absent or disrupted protein product. Loss-of-function variants in RELN are known to be pathogenic (PMID: 10973257, 26046367, 28454995). This variant is not present in population databases (gnomAD no frequency). This variant has not been reported in the literature in individuals affected with RELN-related conditions. For these reasons, this variant has been classified as Pathogenic.

Literature cited by the submitters: PubMed 10973257; PubMed 26046367; PubMed 28454995.